The following is an entry in ClinVar:

NM_003742.4(ABCB11):c.192G>A (p.Val64=)

Gene: ABCB11 (ATP binding cassette subfamily B member 11; minus strand). Cytogenetic location: 2q31.1.
Variant type: single nucleotide variant.
Coding change: c.192G>A on transcript NM_003742.4 (MANE Select); coding-DNA position 192, G replaced by A.
Protein change: p.Val64=; no amino-acid change (valine 64 retained).
Molecular consequence: synonymous variant.
Genome position (GRCh38, 1-based): chr2:169,013,469, C>T on the plus strand (G>A on the coding strand, the complement: ABCB11 is on the minus strand). VCF-style: chr2-169013469-C-T. GRCh37 (hg19) VCF-style: chr2-169869979-C-T.
Identifiers: ClinVar variation 4846212 (VCV004846212.1).

ClinVar aggregate classification (germline): Uncertain significance (1 of 4 stars; one submission).

Conditions:
Familial intrahepatic cholestasis. Identifiers: Orphanet 284385, MedGen CN296401, MONDO:0017290.

gnomAD v4.1: 3 of 1,613,614 alleles (0.00019%); highest among the groups gnomAD compares: South Asian, 0.0011%; no homozygotes.

Submission:

Genomenon, Inc
Classification: Uncertain significance for Familial intrahepatic cholestasis. Last evaluated: 2026-04-14. Review status: criteria provided, single submitter. Criteria: Genomenon Sequence Variant Interpretation Standards - Updated. Collection method: curation. Allele origin: germline. Affected: yes.
Comment: ABCB11 c.192G>A is a synonymous variant that retains Valine at residue 64. This variant has been observed in at least one proband with an ABCB11-related disorder (PMID:35780807). It is absent or not present at a significant frequency in gnomAD. In silico models predict that this variant is possibly or probably damaging. In conclusion, we classify ABCB11 p.Val64= (c.192G>A) as a variant of uncertain significance.

Literature cited by the submitters: PubMed 35780807.